The following is an entry in ClinVar:

ClinVar aggregate classification (germline): Uncertain significance. Review status: criteria provided, multiple submitters, no conflicts (2 of 4 stars). 4 submissions from 4 submitters: Uncertain significance (3). 1 of the submissions does not count toward it. Last evaluated 2023-11-20.

Conditions:
Progressive sclerosing poliodystrophy (MTDPS4A). Also called: ALPERS PROGRESSIVE INFANTILE POLIODYSTROPHY; NEURONAL DEGENERATION OF CHILDHOOD WITH LIVER DISEASE, PROGRESSIVE; Mitochondrial DNA Depletion Syndrome 4A; Alpers-Huttenlocher Syndrome (AHS); Alpers Syndrome; ALPERS DIFFUSE DEGENERATION OF CEREBRAL GRAY MATTER WITH HEPATIC CIRRHOSIS. Identifiers: Orphanet 726, MedGen C0205710, MONDO:0008758, OMIM 203700.
POLG-related disorder. Also called: POLG-related condition; POLG-Related Disorders; POLG-Related Spectrum Disorders. Identifiers: MedGen C4763519.
Inborn genetic diseases. Identifiers: MedGen C0950123, MeSH D030342.

Allele frequency attached by ClinVar (database versions not stated): gnomAD exomes below 0.00001.
gnomAD v4.1: 6 of 1,614,162 alleles (0.00037%); highest among the groups gnomAD compares: Non-Finnish European, 0.00042%; no homozygotes.

Submissions (4):

Labcorp Genetics (formerly Invitae), Labcorp
Classification: Uncertain significance for Progressive sclerosing poliodystrophy. Last evaluated: 2023-11-20. Review status: criteria provided, single submitter. Criteria: Invitae Variant Classification Sherloc (09022015). Collection method: clinical testing. Allele origin: germline.
Comment: This sequence change replaces arginine, which is basic and polar, with lysine, which is basic and polar, at codon 1014 of the POLG protein (p.Arg1014Lys). This variant is present in population databases (no rsID available, gnomAD no frequency). This variant has not been reported in the literature in individuals affected with POLG-related conditions. ClinVar contains an entry for this variant (Variation ID: 1511290). Advanced modeling of protein sequence and biophysical properties (such as structural, functional, and spatial information, amino acid conservation, physicochemical variation, residue mobility, and thermodynamic stability) performed at Invitae indicates that this missense variant is not expected to disrupt POLG protein function with a negative predictive value of 95%. In summary, the available evidence is currently insufficient to determine the role of this variant in disease. Therefore, it has been classified as a Variant of Uncertain Significance.

GeneDx
Classification: Uncertain significance. Last evaluated: 2023-03-30. Review status: criteria provided, single submitter. Criteria: GeneDx Variant Classification Process June 2021. Collection method: clinical testing. Allele origin: germline. Affected: yes.
Comment: Not observed at significant frequency in large population cohorts (gnomAD); In silico analysis supports that this missense variant does not alter protein structure/function; Has not been previously published as pathogenic or benign to our knowledge

Ambry Genetics
Classification: Uncertain significance for Inborn genetic diseases. Last evaluated: 2019-04-26. Review status: criteria provided, single submitter. Criteria: Ambry Variant Classification Scheme 2023. Collection method: clinical testing. Allele origin: germline.
Comment: The p.R1014K variant (also known as c.3041G>A), located in coding exon 18 of the POLG gene, results from a G to A substitution at nucleotide position 3041. The arginine at codon 1014 is replaced by lysine, an amino acid with highly similar properties. This amino acid position is well conserved in available vertebrate species. In addition, this alteration is predicted to be tolerated by in silico analysis. Since supporting evidence is limited at this time, the clinical significance of this alteration remains unclear.

PreventionGenetics, part of Exact Sciences
Classification: Uncertain significance for POLG-related condition. Last evaluated: 2024-06-21. Review status: no assertion criteria provided. Collection method: clinical testing. Allele origin: germline. Not counted in ClinVar's aggregate classification.
Comment: The POLG c.3041G>A variant is predicted to result in the amino acid substitution p.Arg1014Lys. To our knowledge, this variant has not been reported in the literature. This variant is reported in 0.0% of alleles in individuals of African descent in gnomAD. At this time, the clinical significance of this variant is uncertain due to the absence of conclusive functional and genetic evidence.

NM_002693.3(POLG):c.3041G>A (p.Arg1014Lys)

Gene: POLG (DNA polymerase gamma, catalytic subunit; minus strand). Cytogenetic location: 15q26.1.
Variant type: single nucleotide variant.
Coding change: c.3041G>A on transcript NM_002693.3 (MANE Select); coding-DNA position 3041, G replaced by A.
Protein change: p.Arg1014Lys; replaces arginine 1014 with lysine.
Molecular consequence: missense variant.
Genome position (GRCh38, 1-based): chr15:89,319,291, C>T on the plus strand (G>A on the coding strand, the complement: POLG is on the minus strand). VCF-style: chr15-89319291-C-T. GRCh37 (hg19) VCF-style: chr15-89862522-C-T.
Other names: c.3041G>A, p.Arg1014Lys (NM_001126131.2); short protein forms R1014K.
Identifiers: ClinVar variation 1511290 (VCV001511290.12), dbSNP rs1368475929, ClinGen allele CA393751381.